The following is an entry in ClinVar:

NM_001378183.1(PIEZO2):c.5673G>T (p.Glu1891Asp)

Gene: PIEZO2 (piezo type mechanosensitive ion channel component 2; minus strand). Cytogenetic location: 18p11.22.
Variant type: single nucleotide variant.
Coding change: c.5673G>T on transcript NM_001378183.1 (MANE Select); coding-DNA position 5673, G replaced by T.
Protein change: p.Glu1891Asp; replaces glutamic acid 1891 with aspartic acid.
Molecular consequence: missense variant.
Genome position (GRCh38, 1-based): chr18:10,705,662, C>A on the plus strand (G>T on the coding strand, the complement: PIEZO2 is on the minus strand). VCF-style: chr18-10705662-C-A. GRCh37 (hg19) VCF-style: chr18-10705660-C-A.
Other names: c.5409G>T, p.Glu1803Asp (NM_001410871.1); c.5334G>T, p.Glu1778Asp (NM_022068.4); short protein forms E1778D, E1803D, E1891D.
Identifiers: ClinVar variation 3611137 (VCV003611137.2).
Genomic context (GRCh38, chr18:10,705,662, plus strand): 5'-ATCGTACCCAGTGGCCTCGTACTCCTTGGCCTCCCTGGGCTCAGGCGCCGTGCTCCCTGC[C>A]TCCTCCTCCTGCTCAGCCTCCACCTCCTCGATGGTCTCAGTGGTCCCCTGGCGTGAGTAC-3'
Protein context (NP_001365112.1, residues 1881-1901): IEEVEAEQEE[Glu1891Asp]AGSTAPEPRE

ClinVar aggregate classification (germline): Uncertain significance (1 of 4 stars; one submission).

gnomAD v4.1: 8 of 1,537,104 alleles (0.00052%); highest among the groups gnomAD compares: Middle Eastern, 0.033%; no homozygotes.

Submission:

Labcorp Genetics (formerly Invitae), Labcorp
Classification: Uncertain significance. Last evaluated: 2024-08-13. Review status: criteria provided, single submitter. Criteria: Invitae Variant Classification Sherloc (09022015). Collection method: clinical testing. Allele origin: germline.
Comment: This sequence change replaces glutamic acid, which is acidic and polar, with aspartic acid, which is acidic and polar, at codon 1778 of the PIEZO2 protein (p.Glu1778Asp). This variant is present in population databases (no rsID available, gnomAD 0.002%). This variant has not been reported in the literature in individuals affected with PIEZO2-related conditions. Invitae Evidence Modeling of protein sequence and biophysical properties (such as structural, functional, and spatial information, amino acid conservation, physicochemical variation, residue mobility, and thermodynamic stability) indicates that this missense variant is not expected to disrupt PIEZO2 protein function with a negative predictive value of 95%. In summary, the available evidence is currently insufficient to determine the role of this variant in disease. Therefore, it has been classified as a Variant of Uncertain Significance.